The following is an entry in ClinVar:

NM_001082486.2(ACD):c.1259C>T (p.Pro420Leu)

Gene: ACD (ACD shelterin complex subunit and telomerase recruitment factor; minus strand). Cytogenetic location: 16q22.1.
Variant type: single nucleotide variant.
Coding change: c.1259C>T on transcript NM_001082486.2 (MANE Select); coding-DNA position 1259, C replaced by T.
Protein change: p.Pro420Leu; replaces proline 420 with leucine.
Molecular consequence: missense variant.
Genome position (GRCh38, 1-based): chr16:67,657,801, G>A on the plus strand (C>T on the coding strand, the complement: ACD is on the minus strand). VCF-style: chr16-67657801-G-A. GRCh37 (hg19) VCF-style: chr16-67691704-G-A.
Other names: c.1172C>T, p.Pro391Leu (NM_001410884.1); c.1250C>T, p.Pro417Leu (NM_022914.3); short protein forms P391L, P417L, P420L.
Identifiers: ClinVar variation 1774341 (VCV001774341.4), dbSNP rs750023370, ClinGen allele CA8114388.

ClinVar aggregate classification (germline): Uncertain significance. Review status: criteria provided, multiple submitters, no conflicts (2 of 4 stars). 2 submissions from 2 submitters: Uncertain significance (2). Last evaluated 2024-03-19.

Conditions:
Inborn genetic diseases. Identifiers: MedGen C0950123, MeSH D030342.
Dyskeratosis congenita, autosomal dominant 6 (DKCA6). Identifiers: Orphanet 3322, MedGen C4225284, MONDO:0014690, OMIM 616553.

Allele frequency attached by ClinVar (database versions not stated): TOPMed 0.00001.

Submissions (2):

Labcorp Genetics (formerly Invitae), Labcorp
Classification: Uncertain significance for Dyskeratosis congenita, autosomal dominant 6. Last evaluated: 2024-03-19. Review status: criteria provided, single submitter. Criteria: Invitae Variant Classification Sherloc (09022015). Collection method: clinical testing. Allele origin: germline.
Comment: This sequence change replaces proline, which is neutral and non-polar, with leucine, which is neutral and non-polar, at codon 506 of the ACD protein (p.Pro506Leu). This variant is present in population databases (rs750023370, gnomAD 0.0009%). This variant has not been reported in the literature in individuals affected with ACD-related conditions. ClinVar contains an entry for this variant (Variation ID: 1774341). Advanced modeling of protein sequence and biophysical properties (such as structural, functional, and spatial information, amino acid conservation, physicochemical variation, residue mobility, and thermodynamic stability) performed at Invitae indicates that this missense variant is not expected to disrupt ACD protein function with a negative predictive value of 80%. In summary, the available evidence is currently insufficient to determine the role of this variant in disease. Therefore, it has been classified as a Variant of Uncertain Significance.

Ambry Genetics
Classification: Uncertain significance for Inborn genetic diseases. Last evaluated: 2024-02-18. Review status: criteria provided, single submitter. Criteria: Ambry Variant Classification Scheme 2023. Collection method: clinical testing. Allele origin: germline.
Comment: The p.P506L variant (also known as c.1517C>T), located in coding exon 11 of the ACD gene, results from a C to T substitution at nucleotide position 1517. The proline at codon 506 is replaced by leucine, an amino acid with similar properties. This amino acid position is conserved. In addition, this alteration is predicted to be tolerated by in silico analysis. Since supporting evidence is limited at this time, the clinical significance of this alteration remains unclear.